The following is an entry in ClinVar:

NM_016169.4(SUFU):c.1326A>C (p.Lys442Asn)

Gene: SUFU (SUFU negative regulator of hedgehog signaling; plus strand). Cytogenetic location: 10q24.32.
Variant type: single nucleotide variant.
Coding change: c.1326A>C on transcript NM_016169.4 (MANE Select); coding-DNA position 1326, A replaced by C.
Protein change: p.Lys442Asn; replaces lysine 442 with asparagine.
Molecular consequence: missense variant.
Genome position (GRCh38, 1-based): chr10:102,627,204, A>C. VCF-style: chr10-102627204-A-C. GRCh37 (hg19) VCF-style: chr10-104386961-A-C.
Other names: short protein forms K442N.
Identifiers: ClinVar variation 1391686 (VCV001391686.11), dbSNP rs1311816626, ClinGen allele CA377918782.

ClinVar aggregate classification (germline): Uncertain significance. Review status: criteria provided, multiple submitters, no conflicts (2 of 4 stars). 3 submissions from 3 submitters: Uncertain significance (3). Last evaluated 2023-07-25.

Conditions:
Hereditary cancer-predisposing syndrome. Also called: Hereditary neoplastic syndrome; Neoplastic Syndromes, Hereditary; Hereditary Cancer Syndrome; Tumor predisposition. Identifiers: Orphanet 140162, MedGen C0027672, MeSH D009386, MONDO:0015356.
Medulloblastoma (MDB). Also called: MEDULLOBLASTOMA PREDISPOSITION SYNDROME; Medulloblastoma, somatic. Identifiers: Orphanet 616, MedGen C0025149, MeSH D008527, MONDO:0007959, OMIM 155255, HP:0002885.
Gorlin syndrome. Also called: Nevoid Basal Cell Carcinoma Syndrome; Basal cell nevus syndrome. Identifiers: Orphanet 377, MedGen C0004779, MONDO:0007187.

Allele frequency attached by ClinVar (database versions not stated): TOPMed below 0.00001; gnomAD 0.00001.
gnomAD v4.1: 1 of 1,614,130 alleles (0.000062%); highest among the groups gnomAD compares: African/African-American, 0.0013%; no homozygotes.

Submissions (3):

GeneDx
Classification: Uncertain significance. Last evaluated: 2023-07-25. Review status: criteria provided, single submitter. Criteria: GeneDx Variant Classification Process June 2021. Collection method: clinical testing. Allele origin: germline. Affected: yes.
Comment: Not observed at significant frequency in large population cohorts (gnomAD); In silico analysis supports that this missense variant does not alter protein structure/function; Has not been previously published as pathogenic or benign to our knowledge

Ambry Genetics
Classification: Uncertain significance for Hereditary cancer-predisposing syndrome. Last evaluated: 2021-11-02. Review status: criteria provided, single submitter. Criteria: Ambry Variant Classification Scheme 2023. Collection method: clinical testing. Allele origin: germline.
Comment: The p.K442N variant (also known as c.1326A>C), located in coding exon 11 of the SUFU gene, results from an A to C substitution at nucleotide position 1326. The lysine at codon 442 is replaced by asparagine, an amino acid with similar properties. This amino acid position is not well conserved in available vertebrate species. In addition, this alteration is predicted to be tolerated by in silico analysis. Since supporting evidence is limited at this time, the clinical significance of this alteration remains unclear.

Labcorp Genetics (formerly Invitae), Labcorp
Classification: Uncertain significance for Gorlin syndrome; Medulloblastoma. Last evaluated: 2021-04-08. Review status: criteria provided, single submitter. Criteria: Invitae Variant Classification Sherloc (09022015). Collection method: clinical testing. Allele origin: germline.
Comment: This sequence change replaces lysine with asparagine at codon 442 of the SUFU protein (p.Lys442Asn). The lysine residue is moderately conserved and there is a moderate physicochemical difference between lysine and asparagine. In summary, the available evidence is currently insufficient to determine the role of this variant in disease. Therefore, it has been classified as a Variant of Uncertain Significance. Algorithms developed to predict the effect of missense changes on protein structure and function are either unavailable or do not agree on the potential impact of this missense change (SIFT: "Deleterious"; PolyPhen-2: "Benign"; Align-GVGD: "Class C0"). This variant has not been reported in the literature in individuals with SUFU-related conditions. This variant is not present in population databases (ExAC no frequency).